The following is an entry in ClinVar:

NM_001122769.3(LCA5):c.28A>G (p.Thr10Ala)

Gene: LCA5 (lebercilin LCA5; minus strand). Cytogenetic location: 6q14.1.
Variant type: single nucleotide variant.
Coding change: c.28A>G on transcript NM_001122769.3 (MANE Select); coding-DNA position 28, A replaced by G.
Protein change: p.Thr10Ala; replaces threonine 10 with alanine.
Molecular consequence: missense variant.
Genome position (GRCh38, 1-based): chr6:79,518,867, T>C on the plus strand (A>G on the coding strand, the complement: LCA5 is on the minus strand). VCF-style: chr6-79518867-T-C. GRCh37 (hg19) VCF-style: chr6-80228584-T-C.
Other names: c.28A>G, p.Thr10Ala (NM_181714.4); short protein forms T10A.
Identifiers: ClinVar variation 2056969 (VCV002056969.1), dbSNP rs745619400, ClinGen allele CA3901231.

ClinVar aggregate classification (germline): Uncertain significance (1 of 4 stars; one submission).

Allele frequency attached by ClinVar (database versions not stated): ExAC 0.00001; gnomAD 0.00001; TOPMed 0.00001; gnomAD exomes 0.00002.
gnomAD v4.1: 33 of 1,614,036 alleles (0.002%); highest among the groups gnomAD compares: Non-Finnish European, 0.0026%; no homozygotes.

Submission:

Labcorp Genetics (formerly Invitae), Labcorp
Classification: Uncertain significance. Last evaluated: 2022-03-02. Review status: criteria provided, single submitter. Criteria: Invitae Variant Classification Sherloc (09022015). Collection method: clinical testing. Allele origin: germline.
Comment: This sequence change replaces threonine, which is neutral and polar, with alanine, which is neutral and non-polar, at codon 10 of the LCA5 protein (p.Thr10Ala). This variant is present in population databases (rs745619400, gnomAD 0.004%). This variant has not been reported in the literature in individuals affected with LCA5-related conditions. Algorithms developed to predict the effect of missense changes on protein structure and function output the following: SIFT: "Tolerated"; PolyPhen-2: "Benign"; Align-GVGD: "Class C0". The alanine amino acid residue is found in multiple mammalian species, which suggests that this missense change does not adversely affect protein function. In summary, the available evidence is currently insufficient to determine the role of this variant in disease. Therefore, it has been classified as a Variant of Uncertain Significance.